The following is an entry in ClinVar:

NM_001020658.2(PUM1):c.3028C>T (p.Arg1010Ter)

Gene: PUM1 (pumilio RNA binding family member 1; minus strand). Cytogenetic location: 1p35.2.
Variant type: single nucleotide variant.
Coding change: c.3028C>T on transcript NM_001020658.2 (MANE Select); coding-DNA position 3028, C replaced by T.
Protein change: p.Arg1010Ter; replaces arginine 1010 with a stop codon.
Molecular consequence: nonsense.
Genome position (GRCh38, 1-based): chr1:30,942,090, G>A on the plus strand (C>T on the coding strand, the complement: PUM1 is on the minus strand). VCF-style: chr1-30942090-G-A. GRCh37 (hg19) VCF-style: chr1-31414937-G-A.
Other names: c.3022C>T, p.Arg1008Ter (NM_014676.3); short protein forms R1010*, R1008*.
Identifiers: ClinVar variation 1031839 (VCV001031839.2), dbSNP rs1639458746, ClinGen allele CA339562337.
Genomic context (GRCh38, chr1:30,942,090, plus strand): 5'-CCTCTAAAATAGGGAGTGTCTGGTCAGGGAGACAGTGCTCCAGGATTCTCTGAATCACTC[G>A]GCAGCCATAAGGATGTGTGGATAAGGCAAATACCTAAGGGTAGACAAACACAAATGAGAA-3'

ClinVar aggregate classification (germline): Pathogenic/Likely pathogenic. Review status: criteria provided, multiple submitters, no conflicts (2 of 4 stars). 2 submissions from 2 submitters: Pathogenic (1); Likely pathogenic (1). Last evaluated 2026-04-01.

Conditions:
Spinocerebellar ataxia 47 (NEDMSF). Also called: neurodevelopmental disorder with motor abnormalities, seizures, and facial dysmorphism; PADDAS SYNDROME. Identifiers: Orphanet 642747, MedGen C4693672, MONDO:0033482, OMIM 620719.

Submissions (2):

Greenwood Genetic Center Diagnostic Laboratories, Greenwood Genetic Center
Classification: Likely pathogenic for Spinocerebellar ataxia 47. Last evaluated: 2026-04-01. Review status: criteria provided, single submitter. Criteria: ACMG Guidelines, 2015. Collection method: clinical testing. Allele origin: germline. Affected: yes.
Comment: PVS1, PM2

Baylor Genetics
Classification: Pathogenic. Last evaluated: 2018-09-25. Review status: criteria provided, single submitter. Criteria: ACMG Guidelines, 2015. Collection method: clinical testing. Allele origin: unknown. Affected: yes.
Comment: This variant was determined to be pathogenic according to ACMG Guidelines, 2015 [PMID:25741868].